The following is an entry in ClinVar:

ClinVar aggregate classification (germline): Uncertain significance (1 of 4 stars; one submission).

Conditions:
Inborn genetic diseases. Identifiers: MedGen C0950123, MeSH D030342.

Submission:

Ambry Genetics
Classification: Uncertain significance for Inborn genetic diseases. Last evaluated: 2025-07-02. Review status: criteria provided, single submitter. Criteria: Ambry Variant Classification Scheme 2023. Collection method: clinical testing. Allele origin: germline.
Comment: The p.T601S variant (also known as c.1801A>T), located in coding exon 13 of the ASXL1 gene, results from an A to T substitution at nucleotide position 1801. The threonine at codon 601 is replaced by serine, an amino acid with similar properties. This amino acid position is conserved. In addition, this alteration is predicted to be tolerated by in silico analysis. Based on the available evidence, the clinical significance of this variant remains unclear.

NM_015338.6(ASXL1):c.1801A>T (p.Thr601Ser)

Gene: ASXL1 (ASXL transcriptional regulator 1; plus strand). Cytogenetic location: 20q11.21.
Variant type: single nucleotide variant.
Coding change: c.1801A>T on transcript NM_015338.6 (MANE Select); coding-DNA position 1801, A replaced by T.
Protein change: p.Thr601Ser; replaces threonine 601 with serine.
Molecular consequence: missense variant.
Genome position (GRCh38, 1-based): chr20:32,434,513, A>T. VCF-style: chr20-32434513-A-T. GRCh37 (hg19) VCF-style: chr20-31022316-A-T.
Other names: c.1618A>T, p.Thr540Ser (NM_001363734.1); short protein forms T540S, T601S.
Identifiers: ClinVar variation 4157995 (VCV004157995.1).